The following is an entry in ClinVar:

NM_001082486.2(ACD):c.1186C>G (p.Gln396Glu)

Gene: ACD (ACD shelterin complex subunit and telomerase recruitment factor; minus strand). Cytogenetic location: 16q22.1.
Variant type: single nucleotide variant.
Coding change: c.1186C>G on transcript NM_001082486.2 (MANE Select); coding-DNA position 1186, C replaced by G.
Protein change: p.Gln396Glu; replaces glutamine 396 with glutamic acid.
Molecular consequence: missense variant.
Genome position (GRCh38, 1-based): chr16:67,658,006, G>C on the plus strand (C>G on the coding strand, the complement: ACD is on the minus strand). VCF-style: chr16-67658006-G-C. GRCh37 (hg19) VCF-style: chr16-67691909-G-C.
Other names: c.1099C>G, p.Gln367Glu (NM_001410884.1); c.1177C>G, p.Gln393Glu (NM_022914.3); short protein forms Q393E, Q367E, Q396E.
Identifiers: ClinVar variation 3480516 (VCV003480516.1).

ClinVar aggregate classification (germline): Uncertain significance (1 of 4 stars; one submission).

Conditions:
Inborn genetic diseases. Identifiers: MedGen C0950123, MeSH D030342.

Submission:

Ambry Genetics
Classification: Uncertain significance for Inborn genetic diseases. Last evaluated: 2024-11-02. Review status: criteria provided, single submitter. Criteria: Ambry Variant Classification Scheme 2023. Collection method: clinical testing. Allele origin: germline.
Comment: The p.Q482E variant (also known as c.1444C>G), located in coding exon 10 of the ACD gene, results from a C to G substitution at nucleotide position 1444. The glutamine at codon 482 is replaced by glutamic acid, an amino acid with highly similar properties. This amino acid position is conserved. In addition, this alteration is predicted to be tolerated by in silico analysis. Based on the available evidence, the clinical significance of this variant remains unclear.